The following is an entry in ClinVar:

NM_003680.4(YARS1):c.502G>A (p.Gly168Arg)

Gene: YARS1 (tyrosyl-tRNA synthetase 1; minus strand). Cytogenetic location: 1p35.1.
Variant type: single nucleotide variant.
Coding change: c.502G>A on transcript NM_003680.4 (MANE Select); coding-DNA position 502, G replaced by A.
Protein change: p.Gly168Arg; replaces glycine 168 with arginine.
Molecular consequence: missense variant.
Genome position (GRCh38, 1-based): chr1:32,806,490, C>T on the plus strand (G>A on the coding strand, the complement: YARS1 is on the minus strand). VCF-style: chr1-32806490-C-T. GRCh37 (hg19) VCF-style: chr1-33272091-C-T.
Other names: short protein forms G168R.
Identifiers: ClinVar variation 581138 (VCV000581138.11), dbSNP rs1473184666, ClinGen allele CA339686711.

ClinVar aggregate classification (germline): Uncertain significance. Review status: criteria provided, multiple submitters, no conflicts (2 of 4 stars). 2 submissions from 2 submitters: Uncertain significance (2). Last evaluated 2025-10-03.

Conditions:
Charcot-Marie-Tooth disease dominant intermediate C (CMTDIC). Also called: CHARCOT-MARIE-TOOTH NEUROPATHY, DOMINANT INTERMEDIATE C. Identifiers: Orphanet 100045, MedGen C1842237, MONDO:0012012, OMIM 608323.

Allele frequency attached by ClinVar (database versions not stated): TOPMed below 0.00001; gnomAD 0.00001; gnomAD exomes 0.00001.
gnomAD v4.1: 13 of 1,613,886 alleles (0.00081%); highest among the groups gnomAD compares: African/African-American, 0.0027%; no homozygotes.

Submissions (2):

Labcorp Genetics (formerly Invitae), Labcorp
Classification: Uncertain significance for Charcot-Marie-Tooth disease dominant intermediate C. Last evaluated: 2025-10-03. Review status: criteria provided, single submitter. Criteria: Invitae Variant Classification Sherloc (09022015). Collection method: clinical testing. Allele origin: germline.
Comment: This sequence change replaces glycine, which is neutral and non-polar, with arginine, which is basic and polar, at codon 168 of the YARS protein (p.Gly168Arg). This variant is not present in population databases (gnomAD no frequency). This variant has not been reported in the literature in individuals affected with YARS-related conditions. ClinVar contains an entry for this variant (Variation ID: 581138). Invitae Evidence Modeling of protein sequence and biophysical properties (such as structural, functional, and spatial information, amino acid conservation, physicochemical variation, residue mobility, and thermodynamic stability) indicates that this missense variant is expected to disrupt YARS protein function with a positive predictive value of 80%. In summary, the available evidence is currently insufficient to determine the role of this variant in disease. Therefore, it has been classified as a Variant of Uncertain Significance.

Neuberg Centre For Genomic Medicine, NCGM
Classification: Uncertain significance for Charcot-Marie-Tooth disease dominant intermediate C. Review status: criteria provided, single submitter. Criteria: ACMG Guidelines, 2015. Collection method: clinical testing. Allele origin: germline. Inheritance: Autosomal dominant inheritance. Affected: yes.
Comment: The missense c.502G>A p.Gly168Arg variant in YARS1 gene has not been reported previously as a pathogenic variant nor a benign variant, to our knowledge. The p.Gly168Arg variant is novel not in any individuals in both gnomAD Exomes and 1000 Genomes databases. This variant has been reported to the ClinVar database as Uncertain Significance. The amino acid change p.Gly168Arg in YARS1 is predicted as conserved by GERP++ and PhyloP across 100 vertebrates. The amino acid Gly at position 168 is changed to a Arg changing protein sequence and it might alter its composition and physico-chemical properties. For these reasons, this variant has been classified as a Variant of Uncertain Significance VUS.